The following is an entry in ClinVar:

NM_004336.5(BUB1):c.1126C>G (p.Pro376Ala)

Gene: BUB1 (BUB1 mitotic checkpoint serine/threonine kinase; minus strand). Cytogenetic location: 2q13.
Variant type: single nucleotide variant.
Coding change: c.1126C>G on transcript NM_004336.5 (MANE Select); coding-DNA position 1126, C replaced by G.
Protein change: p.Pro376Ala; replaces proline 376 with alanine.
Molecular consequence: missense variant.
Genome position (GRCh38, 1-based): chr2:110,661,673, G>C on the plus strand (C>G on the coding strand, the complement: BUB1 is on the minus strand). VCF-style: chr2-110661673-G-C. GRCh37 (hg19) VCF-style: chr2-111419250-G-C.
Other names: c.1066C>G, p.Pro356Ala (NM_001278616.2); c.1126C>G, p.Pro376Ala (NM_001278617.2); short protein forms P356A, P376A.
Identifiers: ClinVar variation 2464814 (VCV002464814.2), dbSNP rs2468017371, ClinGen allele CA348214360.
Genomic context (GRCh38, chr2:110,661,673, plus strand): 5'-AGTCTGTTACTGTCTGGGCTTTCAAAGGAACAGGAGGAGCAATGCTCTGGCTGGTGGCTG[G>C]GGACACCAAAGCTGCAGAAATAGCATTTGCCAAAGGAGGAACAACAGGAGGTGCCTCTCT-3'
Protein context (NP_004327.1, residues 366-386): ANAISAALVS[Pro376Ala]ATSQSIAPPV

ClinVar aggregate classification (germline): Uncertain significance (1 of 4 stars; one submission).

Submission:

Ambry Genetics
Classification: Uncertain significance. Last evaluated: 2022-12-16. Review status: criteria provided, single submitter. Criteria: Ambry Variant Classification Scheme 2023. Collection method: clinical testing. Allele origin: germline.
Comment: The p.P376A variant (also known as c.1126C>G), located in coding exon 10 of the BUB1 gene, results from a C to G substitution at nucleotide position 1126. The proline at codon 376 is replaced by alanine, an amino acid with highly similar properties. This amino acid position is conserved. In addition, this alteration is predicted to be tolerated by in silico analysis. Since supporting evidence is limited at this time, the clinical significance of this alteration remains unclear.